The following is an entry in ClinVar:

NM_001369.3(DNAH5):c.8960A>T (p.Asn2987Ile)

Gene: DNAH5 (dynein axonemal heavy chain 5; minus strand). Cytogenetic location: 5p15.2.
Variant type: single nucleotide variant.
Coding change: c.8960A>T on transcript NM_001369.3 (MANE Select); coding-DNA position 8960, A replaced by T.
Protein change: p.Asn2987Ile; replaces asparagine 2987 with isoleucine.
Molecular consequence: missense variant.
Genome position (GRCh38, 1-based): chr5:13,777,347, T>A on the plus strand (A>T on the coding strand, the complement: DNAH5 is on the minus strand). VCF-style: chr5-13777347-T-A. GRCh37 (hg19) VCF-style: chr5-13777456-T-A.
Other names: short protein forms N2987I.
Identifiers: ClinVar variation 696250 (VCV000696250.19), dbSNP rs149489069, ClinGen allele CA3202647.

ClinVar aggregate classification (germline): Conflicting classifications of pathogenicity. Review status: criteria provided, conflicting classifications (1 of 4 stars). 6 submissions from 6 submitters: Uncertain significance (1); Likely benign (4). 1 of the submissions does not count toward it. Last evaluated 2025-11-24.

Conditions:
Primary ciliary dyskinesia. Also called: Ciliary dyskinesia. Identifiers: Orphanet 244, MedGen C0008780, MONDO:0016575, HP:0012265.
DNAH5-related disorder. Also called: DNAH5-related condition.
Primary ciliary dyskinesia 3. Identifiers: Orphanet 244, MedGen C1837618, MONDO:0012085, OMIM 608644.

Allele frequency attached by ClinVar (database versions not stated): 1000 Genomes Project 30x 0.00016; TOPMed 0.00019; 1000 Genomes Project 0.00020; ESP Exome Variant Server 0.00023; gnomAD 0.00044 and 0.00046; gnomAD exomes 0.00075; ExAC 0.00104.
gnomAD v4.1: 556 of 1,613,090 alleles (0.034%); highest among the groups gnomAD compares: Non-Finnish European, 0.02%; 1 homozygote.

Submissions (6):

PreventionGenetics, part of Exact Sciences
Classification: Likely benign for DNAH5-related condition. Last evaluated: 2025-11-24. Review status: criteria provided, single submitter. Criteria: ACMG Guidelines, 2015. Collection method: clinical testing. Allele origin: germline.
Comment: This variant is classified as likely benign based on ACMG/AMP sequence variant interpretation guidelines (Richards et al. 2015 PMID: 25741868, with internal and published modifications).

Labcorp Genetics (formerly Invitae), Labcorp
Classification: Likely benign for Primary ciliary dyskinesia. Last evaluated: 2025-07-19. Review status: criteria provided, single submitter. Criteria: Invitae Variant Classification Sherloc (09022015). Collection method: clinical testing. Allele origin: germline.

Blueprint Genetics
Classification: Likely benign. Last evaluated: 2024-11-20. Review status: criteria provided, single submitter. Criteria: ACMG Guidelines, 2015. Collection method: clinical testing. Allele origin: germline.

Ambry Genetics
Classification: Likely benign for Primary ciliary dyskinesia. Last evaluated: 2023-12-30. Review status: criteria provided, single submitter. Criteria: Ambry Variant Classification Scheme 2023. Collection method: clinical testing. Allele origin: germline.

Illumina Laboratory Services, Illumina
Classification: Uncertain significance for Primary ciliary dyskinesia 3. Last evaluated: 2018-01-13. Review status: criteria provided, single submitter. Criteria: ICSL Variant Classification Criteria 13 December 2019. Collection method: clinical testing. Allele origin: germline.

Natera, Inc.
Classification: Likely benign for Primary ciliary dyskinesia. Last evaluated: 2020-05-01. Review status: no assertion criteria provided. Collection method: clinical testing. Allele origin: germline. Not counted in ClinVar's aggregate classification.